The following is an entry in ClinVar:

ClinVar aggregate classification (germline): Conflicting classifications of pathogenicity. Review status: criteria provided, conflicting classifications (1 of 4 stars). 5 submissions from 5 submitters: Uncertain significance (4); Likely benign (1). Last evaluated 2025-07-29.

Conditions:
Hereditary breast ovarian cancer syndrome. Also called: Hereditary breast and ovarian cancer syndrome (HBOC); Hereditary breast and ovarian cancer syndrome; Breast and ovarian cancer; BRCA1- and BRCA2-Associated Hereditary Breast and Ovarian Cancer; Hereditary breast and ovarian cancer; Hereditary breast and/or ovarian cancer syndrome. Identifiers: Orphanet 145, MedGen C0677776, MeSH D061325, MONDO:0003582. Disease mechanism: loss of function.
Hereditary cancer-predisposing syndrome. Also called: Neoplastic Syndromes, Hereditary; Hereditary Cancer Syndrome; Hereditary neoplastic syndrome; Tumor predisposition. Identifiers: Orphanet 140162, MedGen C0027672, MeSH D009386, MONDO:0015356.

Allele frequency attached by ClinVar (database versions not stated): gnomAD exomes below 0.00001 and 0.00001.
gnomAD v4.1: 4 of 1,578,966 alleles (0.00025%); highest among the groups gnomAD compares: Non-Finnish European, 0.00034%; no homozygotes.

Submissions (5):

Color Diagnostics, LLC DBA Color Health
Classification: Uncertain significance for Hereditary cancer-predisposing syndrome. Last evaluated: 2025-07-29. Review status: criteria provided, single submitter. Criteria: ACMG Guidelines, 2015. Collection method: clinical testing. Allele origin: germline.
Comment: This missense variant replaces lysine with arginine at codon 1314 of the BRCA2 protein. Computational prediction suggests that this variant may not impact protein structure and function. To our knowledge, functional studies have not been reported for this variant. This variant has been detected in a breast cancer case-control meta-analysis in 2/60466 cases and 0/53461 unaffected individuals (PMID: 33471991Leiden Open Variation Database DB-ID BRCA2_001173). This variant has been identified in 1/221692 chromosomes in the general population by the Genome Aggregation Database (gnomAD). The available evidence is insufficient to determine the role of this variant in disease conclusively. Therefore, this variant is classified as a Variant of Uncertain Significance.

Labcorp Genetics (formerly Invitae), Labcorp
Classification: Uncertain significance for Hereditary breast ovarian cancer syndrome. Last evaluated: 2025-05-06. Review status: criteria provided, single submitter. Criteria: Invitae Variant Classification Sherloc (09022015). Collection method: clinical testing. Allele origin: germline.
Comment: This sequence change replaces lysine, which is basic and polar, with arginine, which is basic and polar, at codon 1314 of the BRCA2 protein (p.Lys1314Arg). This variant is present in population databases (no rsID available, gnomAD 0.001%). This missense change has been observed in individual(s) with hereditary breast and/or ovarian cancer (PMID: 16683254). ClinVar contains an entry for this variant (Variation ID: 479275). Invitae Evidence Modeling of protein sequence and biophysical properties (such as structural, functional, and spatial information, amino acid conservation, physicochemical variation, residue mobility, and thermodynamic stability) indicates that this missense variant is not expected to disrupt BRCA2 protein function with a negative predictive value of 95%. In summary, the available evidence is currently insufficient to determine the role of this variant in disease. Therefore, it has been classified as a Variant of Uncertain Significance.

Ambry Genetics
Classification: Uncertain significance for Hereditary cancer-predisposing syndrome. Last evaluated: 2025-03-30. Review status: criteria provided, single submitter. Criteria: Ambry Variant Classification Scheme 2023. Collection method: clinical testing. Allele origin: germline.
Comment: The p.K1314R variant (also known as c.3941A>G), located in coding exon 10 of the BRCA2 gene, results from an A to G substitution at nucleotide position 3941. The lysine at codon 1314 is replaced by arginine, an amino acid with highly similar properties. This variant was not reported in population based cohorts in the following databases: Database of Single Nucleotide Polymorphisms (dbSNP), NHLBI Exome Sequencing Project (ESP), and 1000 Genomes Project. In the ESP, this variant was not observed in 6418 samples (12836 alleles) with coverage at this position. To date, this alteration has been detected with an allele frequency of approximately 0.0003% (greater than 300000 alleles tested) in our clinical cohort. This amino acid position is poorly conserved in available vertebrate species. In addition, this alteration is predicted to be tolerated by in silico analysis. Since supporting evidence is limited at this time, the clinical significance of this alteration remains unclear.

University of Washington Department of Laboratory Medicine, University of Washington
Classification: Likely benign for Hereditary cancer-predisposing syndrome. Last evaluated: 2023-03-23. Review status: criteria provided, single submitter. Criteria: Dines et al. (Genet Med. 2020). Collection method: curation. Allele origin: germline.
Comment: Missense variant in a coldspot region where missense variants are very unlikely to be pathogenic (PMID:31911673).

BRCA2 exon 11 coldspot. Reclassification based on statistical prior probability.

Quest Diagnostics Nichols Institute San Juan Capistrano
Classification: Uncertain significance. Last evaluated: 2021-01-22. Review status: criteria provided, single submitter. Criteria: Quest Diagnostics criteria. Collection method: clinical testing. Allele origin: unknown.

Literature cited by the submitters: PubMed 33471991 (cited by Color Diagnostics, LLC DBA Color Health); PubMed 16683254 (cited by Labcorp Genetics (formerly Invitae), Labcorp and Quest Diagnostics Nichols Institute San Juan Capistrano).

NM_000059.4(BRCA2):c.3941A>G (p.Lys1314Arg)

Gene: BRCA2 (BRCA2 DNA repair associated; plus strand). Cytogenetic location: 13q13.1.
Variant type: single nucleotide variant.
Coding change: c.3941A>G on transcript NM_000059.4 (MANE Select); coding-DNA position 3941, A replaced by G.
Protein change: p.Lys1314Arg; replaces lysine 1314 with arginine.
Molecular consequence: missense variant.
Genome position (GRCh38, 1-based): chr13:32,338,296, A>G. VCF-style: chr13-32338296-A-G. GRCh37 (hg19) VCF-style: chr13-32912433-A-G.
Other names: short protein forms K1314R.
Identifiers: ClinVar variation 479275 (VCV000479275.21), dbSNP rs1344698119, ClinGen allele CA387778872.